The following is an entry in ClinVar:

NM_025137.4(SPG11):c.1720C>T (p.His574Tyr)

Gene: SPG11 (SPG11 vesicle trafficking associated, spatacsin; minus strand). Cytogenetic location: 15q21.1.
Variant type: single nucleotide variant.
Coding change: c.1720C>T on transcript NM_025137.4 (MANE Select); coding-DNA position 1720, C replaced by T.
Protein change: p.His574Tyr; replaces histidine 574 with tyrosine.
Molecular consequence: missense variant.
Genome position (GRCh38, 1-based): chr15:44,633,520, G>A on the plus strand (C>T on the coding strand, the complement: SPG11 is on the minus strand). VCF-style: chr15-44633520-G-A. GRCh37 (hg19) VCF-style: chr15-44925718-G-A.
Other names: c.1720C>T, p.His574Tyr (NM_001160227.2, NM_001411132.1); short protein forms H574Y.
Identifiers: ClinVar variation 1778757 (VCV001778757.2), dbSNP rs2505628110, ClinGen allele CA392235196.

ClinVar aggregate classification (germline): Uncertain significance (1 of 4 stars; one submission).

Conditions:
Inborn genetic diseases. Identifiers: MedGen C0950123, MeSH D030342.

Submission:

Ambry Genetics
Classification: Uncertain significance for Inborn genetic diseases. Last evaluated: 2021-06-08. Review status: criteria provided, single submitter. Criteria: Ambry Variant Classification Scheme 2023. Collection method: clinical testing. Allele origin: germline.
Comment: The p.H574Y variant (also known as c.1720C>T), located in coding exon 8 of the SPG11 gene, results from a C to T substitution at nucleotide position 1720. The histidine at codon 574 is replaced by tyrosine, an amino acid with similar properties. This amino acid position is not well conserved in available vertebrate species. In addition, this alteration is predicted to be tolerated by in silico analysis. Since supporting evidence is limited at this time, the clinical significance of this alteration remains unclear.